The following is an entry in ClinVar:

NM_139276.3(STAT3):c.*264dup

Gene: STAT3 (signal transducer and activator of transcription 3; minus strand). Cytogenetic location: 17q21.2.
Variant type: Duplication.
Coding change: c.*264dup on transcript NM_139276.3 (MANE Select); 264 bases downstream of the stop codon, one base duplicated (G; older notation c.*264dupG).
Molecular consequence: 3 prime UTR variant.
Genome position (GRCh38, 1-based): chr17:42,315,481, C duplicated on the plus strand (G on the coding strand, the reverse complement: STAT3 is on the minus strand); the first of 6 consecutive C bases (chr17:42,315,481-42,315,486); duplicating any one gives the same sequence. VCF-style (leftmost placement, unchanged base first): chr17-42315480-A-AC. GRCh37 (hg19) VCF-style: chr17-40467498-A-AC.
Other names: c.*264dup (NM_001369512.1, NM_001369513.1, NM_001369514.1 and 10 more transcripts); c.*358dup (NM_001369517.1, NM_001369518.1, NM_001369519.1 and 4 more transcripts).
Identifiers: ClinVar variation 323238 (VCV000323238.29), dbSNP rs554015274, ClinGen allele CA10645658.

ClinVar aggregate classification (germline): Benign (1 of 4 stars; one submission).

Submission:

CeGaT Center for Human Genetics Tuebingen
Classification: Benign. Last evaluated: 2022-08-01. Review status: criteria provided, single submitter. Criteria: CeGaT Center For Human Genetics Tuebingen Variant Classification Criteria Version 2. Collection method: clinical testing. Allele origin: germline. Affected: yes. Observed: 1 variant allele.
Comment: STAT3: BS1, BS2